The following is an entry in ClinVar:

ClinVar aggregate classification (germline): Pathogenic (1 of 4 stars; one submission).

Conditions:
Phelan-McDermid syndrome. Also called: TELOMERIC 22q13 MONOSOMY SYNDROME; Phelan-McDermid Syndrome-SHANK3 Related; 22q13.3 deletion syndrome. Identifiers: Orphanet 48652, MedGen C1853490, MONDO:0011652, OMIM 606232.

Submission:

Pittsburgh Clinical Genomics Laboratory, University of Pittsburgh Medical Center
Classification: Pathogenic for Phelan-McDermid syndrome. Last evaluated: 2023-07-03. Review status: criteria provided, single submitter. Criteria: ACMG Guidelines, 2015. Collection method: clinical testing. Allele origin: germline. Inheritance: Autosomal dominant inheritance. Affected: yes.
Comment: This sequence variant is a single nucleotide deletion (delG) in exon 22 of 23 of the SHANK3 gene and results in an early termition sigl 56 positions downstream of the frameshift introduced at codon 1022. This variant is predicted to generate a non-functiol allele through either the expression of a truncated protein or a loss of SHANK3 expression due to nonsense mediated decay. This variant is absent from ClinVar and the gnomAD population database (0 of approximately 214,000 alleles). This variant has not been observed in the published literature in an individual affected by a SHANK3-related disorder, to our knowledge. Likewise, studies examining the functiol consequence of this variant have not been published, to our knowledge. However, haploinsufficiency in SHANK3 is a known mechanism of disease (PMID: 20301377). Based upon the evidence, we consider this a pathogenic variant. ACMG Criteria: PM2, PS2, PVS1

Literature cited by the submitters: PubMed 20301377.

NM_001372044.2(SHANK3):c.3291del (p.Glu1097fs)

Gene: SHANK3 (SH3 and multiple ankyrin repeat domains 3; plus strand). Cytogenetic location: 22q13.33.
Variant type: Deletion.
Coding change: c.3291del on transcript NM_001372044.2 (MANE Select); coding-DNA position 3291, one base deleted (G; older notation c.3291delG).
Protein change: p.Glu1097fs; shifts the reading frame from glutamic acid 1097.
Molecular consequence: frameshift variant.
Genome position (GRCh38, 1-based): chr22:50,720,899, G deleted. VCF-style (leftmost placement, unchanged base first): chr22-50720898-AG-A. GRCh37 (hg19) VCF-style: chr22-51159326-AG-A.
Other names: c.3066delG (NM_033517.1); short protein forms E1097fs.
Identifiers: ClinVar variation 3376253 (VCV003376253.1).